The following is an entry in ClinVar:

ClinVar aggregate classification (germline): Uncertain significance (1 of 4 stars; one submission).

Conditions:
Hereditary cancer-predisposing syndrome. Also called: Hereditary neoplastic syndrome; Tumor predisposition; Hereditary Cancer Syndrome; Neoplastic Syndromes, Hereditary. Identifiers: Orphanet 140162, MedGen C0027672, MeSH D009386, MONDO:0015356.

gnomAD v4.1: 2 of 1,614,088 alleles (0.00012%); highest among the groups gnomAD compares: Non-Finnish European, 0.00017%; no homozygotes.

Submission:

Ambry Genetics
Classification: Uncertain significance for Hereditary cancer-predisposing syndrome. Last evaluated: 2023-08-28. Review status: criteria provided, single submitter. Criteria: Ambry Variant Classification Scheme 2023. Collection method: clinical testing. Allele origin: germline.
Comment: The p.M439L variant (also known as c.1315A>T), located in coding exon 6 of the BLM gene, results from an A to T substitution at nucleotide position 1315. The methionine at codon 439 is replaced by leucine, an amino acid with highly similar properties. This amino acid position is conserved. In addition, this alteration is predicted to be tolerated by in silico analysis. Since supporting evidence is limited at this time, the clinical significance of this alteration remains unclear.

NM_000057.4(BLM):c.1315A>T (p.Met439Leu)

Gene: BLM (BLM RecQ like helicase; plus strand). Cytogenetic location: 15q26.1.
Variant type: single nucleotide variant.
Coding change: c.1315A>T on transcript NM_000057.4 (MANE Select); coding-DNA position 1315, A replaced by T.
Protein change: p.Met439Leu; replaces methionine 439 with leucine.
Molecular consequence: missense variant.
Genome position (GRCh38, 1-based): chr15:90,760,688, A>T. VCF-style: chr15-90760688-A-T. GRCh37 (hg19) VCF-style: chr15-91303918-A-T.
Other names: c.1315A>T, p.Met439Leu (NM_001287246.2, NM_001287247.2); c.190A>T, p.Met64Leu (NM_001287248.2); short protein forms M439L, M64L.
Identifiers: ClinVar variation 2586897 (VCV002586897.2), dbSNP rs201231857, ClinGen allele CA393842793.